The following is an entry in ClinVar:

ClinVar aggregate classification (germline): Uncertain significance. Review status: criteria provided, multiple submitters, no conflicts (2 of 4 stars). 2 submissions from 2 submitters: Uncertain significance (2). Last evaluated 2025-08-25.

Conditions:
Inborn genetic diseases. Identifiers: MedGen C0950123, MeSH D030342.
Epidermodysplasia verruciformis. Identifiers: Orphanet 302, MedGen C0014522, MONDO:0009176.

Allele frequency attached by ClinVar (database versions not stated): gnomAD exomes below 0.00001; ExAC 0.00001; gnomAD 0.00001; TOPMed 0.00002; ESP Exome Variant Server 0.00008.

Submissions (2):

Ambry Genetics
Classification: Uncertain significance for Inborn genetic diseases. Last evaluated: 2025-08-25. Review status: criteria provided, single submitter. Criteria: Ambry Variant Classification Scheme 2023. Collection method: clinical testing. Allele origin: germline.

Labcorp Genetics (formerly Invitae), Labcorp
Classification: Uncertain significance for Epidermodysplasia verruciformis. Last evaluated: 2021-09-02. Review status: criteria provided, single submitter. Criteria: Invitae Variant Classification Sherloc (09022015). Collection method: clinical testing. Allele origin: germline.
Comment: This sequence change replaces alanine with valine at codon 313 of the TMC8 protein (p.Ala313Val). The alanine residue is moderately conserved and there is a small physicochemical difference between alanine and valine. This variant is present in population databases (rs375213113, ExAC 0.01%). This variant has not been reported in the literature in individuals affected with TMC8-related conditions. Algorithms developed to predict the effect of missense changes on protein structure and function are either unavailable or do not agree on the potential impact of this missense change (SIFT: "Deleterious"; PolyPhen-2: "Probably Damaging"; Align-GVGD: "Class C0"). In summary, the available evidence is currently insufficient to determine the role of this variant in disease. Therefore, it has been classified as a Variant of Uncertain Significance.

NM_152468.5(TMC8):c.938C>T (p.Ala313Val)

Gene: TMC8 (transmembrane channel like 8; plus strand). Cytogenetic location: 17q25.3.
Variant type: single nucleotide variant.
Coding change: c.938C>T on transcript NM_152468.5 (MANE Select); coding-DNA position 938, C replaced by T.
Protein change: p.Ala313Val; replaces alanine 313 with valine.
Molecular consequence: missense variant.
Genome position (GRCh38, 1-based): chr17:78,134,515, C>T. VCF-style: chr17-78134515-C-T. GRCh37 (hg19) VCF-style: chr17-76130596-C-T.
Other names: short protein forms A313V.
Identifiers: ClinVar variation 646706 (VCV000646706.10), dbSNP rs375213113, ClinGen allele CA8796665.